The following is an entry in ClinVar:

NM_032756.4(HPDL):c.2T>A (p.Met1Lys)

Genes: HPDL (4-hydroxyphenylpyruvate dioxygenase like; plus strand), LOC129930439 (ATAC-STARR-seq lymphoblastoid active region 964; plus strand). Cytogenetic location: 1p34.1.
Variant type: single nucleotide variant.
Coding change: c.2T>A on transcript NM_032756.4 (MANE Select); coding-DNA position 2, T replaced by A.
Protein change: p.Met1Lys; changes the start codon (methionine 1).
Molecular consequence: missense variant, initiator codon variant.
Genome position (GRCh38, 1-based): chr1:45,327,150, T>A. VCF-style: chr1-45327150-T-A. GRCh37 (hg19) VCF-style: chr1-45792822-T-A.
Other names: short protein forms M1K.
Identifiers: ClinVar variation 4292415 (VCV004292415.1).

ClinVar aggregate classification (germline): Uncertain significance (1 of 4 stars; one submission).

Conditions:
Spastic paraplegia 83, autosomal recessive. Identifiers: Orphanet 631076, MedGen C5436637, MONDO:0033614, OMIM 619027.

Submission:

3billion
Classification: Uncertain significance for Spastic paraplegia 83, autosomal recessive. Last evaluated: 2024-11-14. Review status: criteria provided, single submitter. Criteria: ACMG Guidelines, 2015. Collection method: clinical testing. Allele origin: germline. Affected: yes.
Comment: The variant is not observed in the gnomAD v4.1.0 dataset. Predicted Consequence/Location: Start-lost: reinitiation of translation may occur at a downstream alternate start codon but still result in a loss or disruption of normal protein function as there have been pathogenic variants reported upstream of the alternate start codon. Therefore, this variant is classified as VUS according to the recommendation of ACMG/AMP guideline.